The following is an entry in ClinVar:

NM_002840.5(PTPRF):c.3858G>A (p.Arg1286=)

Gene: PTPRF (protein tyrosine phosphatase receptor type F; plus strand). Cytogenetic location: 1p34.2.
Variant type: single nucleotide variant.
Coding change: c.3858G>A on transcript NM_002840.5 (MANE Select); coding-DNA position 3858, G replaced by A.
Protein change: p.Arg1286=; no amino-acid change (arginine 1286 retained).
Molecular consequence: synonymous variant.
Genome position (GRCh38, 1-based): chr1:43,609,383, G>A. VCF-style: chr1-43609383-G-A. GRCh37 (hg19) VCF-style: chr1-44075054-G-A.
Other names: c.2991G>A, p.Arg997= (NM_001329137.2); c.3015G>A, p.Arg1005= (NM_001329138.2); c.2973G>A, p.Arg991= (NM_001329139.2); c.2946G>A, p.Arg982= (NM_001329140.2); c.3831G>A, p.Arg1277= (NM_130440.4).
Identifiers: ClinVar variation 3044069 (VCV003044069.2), dbSNP rs141618798, ClinGen allele CA812999.

ClinVar aggregate classification (germline): Likely benign (0 of 4 stars; one submission).

Conditions:
PTPRF-related disorder. Also called: PTPRF-related condition.

Allele frequency attached by ClinVar (database versions not stated): ESP Exome Variant Server 0.00015; gnomAD exomes 0.00030; TOPMed 0.00043; gnomAD 0.00045; ExAC 0.00070; 1000 Genomes Project 30x 0.00141; 1000 Genomes Project 0.00160.
gnomAD v4.1: 511 of 1,613,470 alleles (0.032%); highest among the groups gnomAD compares: East Asian, 0.53%; 2 homozygotes.

Submission:

PreventionGenetics, part of Exact Sciences
Classification: Likely benign for PTPRF-related condition. Last evaluated: 2019-05-28. Review status: no assertion criteria provided. Collection method: clinical testing. Allele origin: germline.
Comment: This variant is classified as likely benign based on ACMG/AMP sequence variant interpretation guidelines (Richards et al. 2015 PMID: 25741868, with internal and published modifications).